The following is an entry in ClinVar:

ClinVar aggregate classification (germline): Uncertain significance (1 of 4 stars; one submission).

gnomAD v4.1: 6 of 1,207,225 alleles (0.0005%); highest among the groups gnomAD compares: South Asian, 0.0018%; no homozygotes.

Submission:

Labcorp Genetics (formerly Invitae), Labcorp
Classification: Uncertain significance. Last evaluated: 2026-01-24. Review status: criteria provided, single submitter. Criteria: Invitae Variant Classification Sherloc (09022015). Collection method: clinical testing. Allele origin: germline.
Comment: This sequence change replaces arginine, which is basic and polar, with glutamine, which is neutral and polar, at codon 159 of the PQBP1 protein (p.Arg159Gln). The frequency data for this variant in the population databases is considered unreliable, as metrics indicate poor data quality at this position in the gnomAD database. This variant has not been reported in the literature in individuals affected with PQBP1-related conditions. Invitae Evidence Modeling of protein sequence and biophysical properties (such as structural, functional, and spatial information, amino acid conservation, physicochemical variation, residue mobility, and thermodynamic stability) indicates that this missense variant is not expected to disrupt PQBP1 protein function with a negative predictive value of 80%. In summary, the available evidence is currently insufficient to determine the role of this variant in disease. Therefore, it has been classified as a Variant of Uncertain Significance.

NM_001032382.2(PQBP1):c.476G>A (p.Arg159Gln)

Gene: PQBP1 (polyglutamine binding protein 1; plus strand). Cytogenetic location: Xp11.23.
Variant type: single nucleotide variant.
Coding change: c.476G>A on transcript NM_001032382.2 (MANE Select); coding-DNA position 476, G replaced by A.
Protein change: p.Arg159Gln; replaces arginine 159 with glutamine.
Molecular consequence: missense variant. On other transcripts: intron variant (3).
Genome position (GRCh38, 1-based): chrX:48,902,416, G>A. VCF-style: chrX-48902416-G-A. GRCh37 (hg19) VCF-style: chrX-48759693-G-A.
Other names: c.476G>A, p.Arg159Gln (NM_001032381.2, NM_001032383.2, NM_001032384.1 and 2 more transcripts); c.452G>A, p.Arg151Gln (NM_001167990.2); c.293-316G>A (NM_144495.3, NM_001437502.1); c.202-26G>A (NM_001167992.1); short protein forms R151Q, R159Q.
Identifiers: ClinVar variation 4743593 (VCV004743593.1).